The following is an entry in ClinVar:

ClinVar aggregate classification (germline): Uncertain significance (1 of 4 stars; one submission).

Conditions:
Episodic ataxia type 1 (EA1). Also called: ATAXIA, EPISODIC, WITH MYOKYMIA; MYOKYMIA WITH PERIODIC ATAXIA; PAROXYSMAL ATAXIA WITH NEUROMYOTONIA, HEREDITARY; Episodic ataxia/myokymia syndrome. Identifiers: Orphanet 37612, Orphanet 972, MedGen C1719788, MONDO:0008047, OMIM 160120.

Submission:

Labcorp Genetics (formerly Invitae), Labcorp
Classification: Uncertain significance for Episodic ataxia type 1. Last evaluated: 2022-04-02. Review status: criteria provided, single submitter. Criteria: Invitae Variant Classification Sherloc (09022015). Collection method: clinical testing. Allele origin: germline.
Comment: This sequence change replaces valine, which is neutral and non-polar, with leucine, which is neutral and non-polar, at codon 108 of the KCNA1 protein (p.Val108Leu). This variant is not present in population databases (gnomAD no frequency). This variant has not been reported in the literature in individuals affected with KCNA1-related conditions. Algorithms developed to predict the effect of missense changes on protein structure and function (SIFT, PolyPhen-2, Align-GVGD) all suggest that this variant is likely to be disruptive. In summary, the available evidence is currently insufficient to determine the role of this variant in disease. Therefore, it has been classified as a Variant of Uncertain Significance.

NM_000217.3(KCNA1):c.322G>C (p.Val108Leu)

Gene: KCNA1 (potassium voltage-gated channel subfamily A member 1; plus strand). Cytogenetic location: 12p13.32.
Variant type: single nucleotide variant.
Coding change: c.322G>C on transcript NM_000217.3 (MANE Select); coding-DNA position 322, G replaced by C.
Protein change: p.Val108Leu; replaces valine 108 with leucine.
Molecular consequence: missense variant.
Genome position (GRCh38, 1-based): chr12:4,911,700, G>C. VCF-style: chr12-4911700-G-C. GRCh37 (hg19) VCF-style: chr12-5020866-G-C.
Other names: short protein forms V108L.
Identifiers: ClinVar variation 2080662 (VCV002080662.4), dbSNP rs1947352588, ClinGen allele CA383454293.